The following is an entry in ClinVar:

NM_016239.4(MYO15A):c.9408G>C (p.Trp3136Cys)

Genes: MYO15A (myosin XVA; plus strand), LOC130060418 (ATAC-STARR-seq lymphoblastoid active region 11828; plus strand). Cytogenetic location: 17p11.2.
Variant type: single nucleotide variant.
Coding change: c.9408G>C on transcript NM_016239.4 (MANE Select); coding-DNA position 9408, G replaced by C.
Protein change: p.Trp3136Cys; replaces tryptophan 3136 with cysteine.
Molecular consequence: missense variant.
Genome position (GRCh38, 1-based): chr17:18,161,338, G>C. VCF-style: chr17-18161338-G-C. GRCh37 (hg19) VCF-style: chr17-18064652-G-C.
Other names: short protein forms W3136C.
Identifiers: ClinVar variation 2573586 (VCV002573586.6), dbSNP rs746969842, ClinGen allele CA8425551.

ClinVar aggregate classification (germline): Pathogenic/Likely pathogenic. Review status: criteria provided, multiple submitters, no conflicts (2 of 4 stars). 3 submissions from 3 submitters: Pathogenic (2); Likely pathogenic (1). Last evaluated 2025-04-22.

Conditions:
Autosomal recessive nonsyndromic hearing loss 3. Also called: NEUROSENSORY NONSYNDROMIC RECESSIVE DEAFNESS 3. Identifiers: Orphanet 90636, MedGen C1838263, MONDO:0010860, OMIM 600316.

Allele frequency attached by ClinVar (database versions not stated): gnomAD 0.00001; gnomAD exomes 0.00001; ExAC 0.00002.
gnomAD v4.1: 6 of 1,613,938 alleles (0.00037%); highest among the groups gnomAD compares: East Asian, 0.013%; no homozygotes.

Submissions (3):

Women's Health and Genetics/Laboratory Corporation of America, LabCorp
Classification: Pathogenic for Autosomal recessive nonsyndromic hearing loss 3. Last evaluated: 2025-04-22. Review status: criteria provided, single submitter. Criteria: LabCorp Variant Classification Summary - May 2015. Collection method: clinical testing. Allele origin: germline.
Comment: Variant summary: MYO15A c.9408G>C (p.Trp3136Cys) results in a non-conservative amino acid change located in the MyTH4 domain (IPR000857) of the encoded protein sequence. Three of three in-silico tools predict a damaging effect of the variant on protein function. The variant allele was found at a frequency of 2.4e-05 in 249302 control chromosomes. c.9408G>C has been reported in the literature as a biallelic genotype in multiple individuals affected with Autosomal Recessive Nonsyndromic Hearing Loss (e.g. Wu_2019, Liu_2019, Lin_2021, Chen_2022). These data indicate that the variant is very likely to be associated with disease. To our knowledge, no experimental evidence demonstrating an impact on protein function has been reported. The following publications have been ascertained in the context of this evaluation (PMID: 34974475, 34325055, 30682115, 31581539). ClinVar contains an entry for this variant (Variation ID: 2573586). Based on the evidence outlined above, the variant was classified as pathogenic.

Labcorp Genetics (formerly Invitae), Labcorp
Classification: Pathogenic. Last evaluated: 2023-07-07. Review status: criteria provided, single submitter. Criteria: Invitae Variant Classification Sherloc (09022015). Collection method: clinical testing. Allele origin: germline.
Comment: This missense change has been observed in individuals with Deafness (PMID: 34974475). For these reasons, this variant has been classified as Pathogenic. Advanced modeling of protein sequence and biophysical properties (such as structural, functional, and spatial information, amino acid conservation, physicochemical variation, residue mobility, and thermodynamic stability) performed at Invitae indicates that this missense variant is expected to disrupt MYO15A protein function. This sequence change replaces tryptophan, which is neutral and slightly polar, with cysteine, which is neutral and slightly polar, at codon 3136 of the MYO15A protein (p.Trp3136Cys). This variant is present in population databases (rs746969842, gnomAD 0.04%).

GeneDx
Classification: Likely pathogenic. Last evaluated: 2023-05-18. Review status: criteria provided, single submitter. Criteria: GeneDx Variant Classification Process June 2021. Collection method: clinical testing. Allele origin: germline. Affected: yes.
Comment: Identified with a second variant (phase unknown) in additional unrelated patients with sensorineural hearing loss referred for genetic testing at GeneDx and in published literature (Lin et al., 2021); In silico analysis supports that this missense variant has a deleterious effect on protein structure/function; This variant is associated with the following publications: (PMID: 31581539, 34325055, 34974475, 30682115)

Literature cited by the submitters: PubMed 31581539 (cited by Women's Health and Genetics/Laboratory Corporation of America, LabCorp); PubMed 34974475 (cited by Women's Health and Genetics/Laboratory Corporation of America, LabCorp and Labcorp Genetics (formerly Invitae), Labcorp); PubMed 34325055 (cited by Women's Health and Genetics/Laboratory Corporation of America, LabCorp); PubMed 30682115 (cited by Women's Health and Genetics/Laboratory Corporation of America, LabCorp).